The following is an entry in ClinVar:

ClinVar aggregate classification (germline): Uncertain significance (1 of 4 stars; one submission).

Conditions:
EGFR-related lung cancer (EGFR). Identifiers: MedGen CN130014.

Submission:

Labcorp Genetics (formerly Invitae), Labcorp
Classification: Uncertain significance for EGFR-related lung cancer. Last evaluated: 2021-04-30. Review status: criteria provided, single submitter. Criteria: Invitae Variant Classification Sherloc (09022015). Collection method: clinical testing. Allele origin: germline.
Comment: This sequence change replaces asparagine with lysine at codon 103 of the EGFR protein (p.Asn103Lys). The asparagine residue is highly conserved and there is a moderate physicochemical difference between asparagine and lysine. This variant is not present in population databases (ExAC no frequency). This variant has not been reported in the literature in individuals with EGFR-related conditions. Algorithms developed to predict the effect of missense changes on protein structure and function output the following: SIFT: "Tolerated"; PolyPhen-2: "Benign"; Align-GVGD: "Class C0". The lysine amino acid residue is found in multiple mammalian species, suggesting that this missense change does not adversely affect protein function. These predictions have not been confirmed by published functional studies and their clinical significance is uncertain. In summary, the available evidence is currently insufficient to determine the role of this variant in disease. Therefore, it has been classified as a Variant of Uncertain Significance.

NM_005228.5(EGFR):c.309C>G (p.Asn103Lys)

Gene: EGFR (epidermal growth factor receptor; plus strand). Cytogenetic location: 7p11.2.
Variant type: single nucleotide variant.
Coding change: c.309C>G on transcript NM_005228.5 (MANE Select); coding-DNA position 309, C replaced by G.
Protein change: p.Asn103Lys; replaces asparagine 103 with lysine.
Molecular consequence: missense variant. On other transcripts: intron variant (1).
Genome position (GRCh38, 1-based): chr7:55,143,373, C>G. VCF-style: chr7-55143373-C-G. GRCh37 (hg19) VCF-style: chr7-55211066-C-G.
Other names: c.309C>G, p.Asn103Lys (NM_001346897.2, NM_001346898.2, NM_001346899.2 and 3 more transcripts); c.150C>G, p.Asn50Lys (NM_001346900.2); c.89-12457C>G (NM_001346941.2); short protein forms N103K, N50K.
Identifiers: ClinVar variation 1423333 (VCV001423333.8), dbSNP rs2128927311, ClinGen allele CA367575760.